The following is an entry in ClinVar:

NM_000135.4(FANCA):c.1584G>A (p.Met528Ile)

Gene: FANCA (FA complementation group A; minus strand). Cytogenetic location: 16q24.3.
Variant type: single nucleotide variant.
Coding change: c.1584G>A on transcript NM_000135.4 (MANE Select); coding-DNA position 1584, G replaced by A.
Protein change: p.Met528Ile; replaces methionine 528 with isoleucine.
Molecular consequence: missense variant.
Genome position (GRCh38, 1-based): chr16:89,782,901, C>T on the plus strand (G>A on the coding strand, the complement: FANCA is on the minus strand). VCF-style: chr16-89782901-C-T. GRCh37 (hg19) VCF-style: chr16-89849309-C-T.
Other names: c.1584G>A, p.Met528Ile (NM_001286167.3); short protein forms M528I.
Identifiers: ClinVar variation 4870823 (VCV004870823.1).

ClinVar aggregate classification (germline): Uncertain significance (1 of 4 stars; one submission).

Conditions:
Inborn genetic diseases. Identifiers: MedGen C0950123, MeSH D030342.

Submission:

Ambry Genetics
Classification: Uncertain significance for Inborn genetic diseases. Last evaluated: 2026-04-08. Review status: criteria provided, single submitter. Criteria: Ambry Variant Classification Scheme 2023. Collection method: clinical testing. Allele origin: germline.
Comment: The p.M528I variant (also known as c.1584G>A), located in coding exon 17 of the FANCA gene, results from a G to A substitution at nucleotide position 1584. The methionine at codon 528 is replaced by isoleucine, an amino acid with highly similar properties. This amino acid position is conserved. In addition, the in silico prediction for this alteration is inconclusive. Based on the available evidence, the clinical significance of this variant remains unclear.